The following is an entry in ClinVar:

NM_017617.5(NOTCH1):c.2608A>G (p.Ile870Val)

Gene: NOTCH1 (notch receptor 1; minus strand). Cytogenetic location: 9q34.3.
Variant type: single nucleotide variant.
Coding change: c.2608A>G on transcript NM_017617.5 (MANE Select); coding-DNA position 2608, A replaced by G.
Protein change: p.Ile870Val; replaces isoleucine 870 with valine.
Molecular consequence: missense variant.
Genome position (GRCh38, 1-based): chr9:136,510,785, T>C on the plus strand (A>G on the coding strand, the complement: NOTCH1 is on the minus strand). VCF-style: chr9-136510785-T-C. GRCh37 (hg19) VCF-style: chr9-139405237-T-C.
Other names: short protein forms I870V.
Identifiers: ClinVar variation 3695814 (VCV003695814.2).

ClinVar aggregate classification (germline): Uncertain significance (1 of 4 stars; one submission).

Conditions:
Adams-Oliver syndrome 5 (AOS5). Identifiers: Orphanet 974, MedGen C4014970, MONDO:0014459, OMIM 616028.

Submission:

Labcorp Genetics (formerly Invitae), Labcorp
Classification: Uncertain significance for Adams-Oliver syndrome 5. Last evaluated: 2024-05-17. Review status: criteria provided, single submitter. Criteria: Invitae Variant Classification Sherloc (09022015). Collection method: clinical testing. Allele origin: germline.
Comment: This sequence change replaces isoleucine, which is neutral and non-polar, with valine, which is neutral and non-polar, at codon 870 of the NOTCH1 protein (p.Ile870Val). This variant is not present in population databases (gnomAD no frequency). This variant has not been reported in the literature in individuals affected with NOTCH1-related conditions. Advanced modeling of protein sequence and biophysical properties (such as structural, functional, and spatial information, amino acid conservation, physicochemical variation, residue mobility, and thermodynamic stability) performed at Invitae indicates that this missense variant is not expected to disrupt NOTCH1 protein function with a negative predictive value of 95%. In summary, the available evidence is currently insufficient to determine the role of this variant in disease. Therefore, it has been classified as a Variant of Uncertain Significance.